The following is an entry in ClinVar:

NM_001048174.2(MUTYH):c.1545C>G (p.Ser515Arg)

Gene: MUTYH (mutY DNA glycosylase; minus strand). Cytogenetic location: 1p34.1.
Variant type: single nucleotide variant.
Coding change: c.1545C>G on transcript NM_001048174.2 (MANE Select); coding-DNA position 1545, C replaced by G.
Protein change: p.Ser515Arg; replaces serine 515 with arginine.
Molecular consequence: missense variant. On other transcripts: non-coding transcript variant (7).
Genome position (GRCh38, 1-based): chr1:45,329,327, G>C on the plus strand (C>G on the coding strand, the complement: MUTYH is on the minus strand). VCF-style: chr1-45329327-G-C. GRCh37 (hg19) VCF-style: chr1-45794999-G-C.
Other names: c.1506C>G, p.Ser502Arg (NM_001407079.1); c.1503C>G, p.Ser501Arg (NM_001407080.1); c.1545C>G, p.Ser515Arg (NM_001407081.1, NM_001407088.1, NM_001407089.1 and 6 more transcripts); c.1200C>G, p.Ser400Arg (NM_001407082.1, NM_001350650.2, NM_001350651.2); c.1587C>G, p.Ser529Arg (NM_001407083.1, NM_001407085.1); c.1548C>G, p.Ser516Arg (NM_001407086.1, NM_001048172.2, NM_001407071.1 and 1 more transcripts); c.1566C>G, p.Ser522Arg (NM_001407087.1); c.1629C>G, p.Ser543Arg (NM_001128425.2); and 5 more; short protein forms S487R, S530R, S400R, S501R, S522R, S526R, S529R, S543R.
Identifiers: ClinVar variation 4113466 (VCV004113466.1).

ClinVar aggregate classification (germline): Uncertain significance (1 of 4 stars; one submission).

Conditions:
Hereditary cancer-predisposing syndrome. Also called: Hereditary neoplastic syndrome; Neoplastic Syndromes, Hereditary; Tumor predisposition; Hereditary Cancer Syndrome. Identifiers: Orphanet 140162, MedGen C0027672, MeSH D009386, MONDO:0015356.

Submission:

Ambry Genetics
Classification: Uncertain significance for Hereditary cancer-predisposing syndrome. Last evaluated: 2025-08-27. Review status: criteria provided, single submitter. Criteria: Ambry Variant Classification Scheme 2023. Collection method: clinical testing. Allele origin: germline.
Comment: The p.S543R variant (also known as c.1629C>G), located in coding exon 16 of the MUTYH gene, results from a C to G substitution at nucleotide position 1629. The serine at codon 543 is replaced by arginine, an amino acid with dissimilar properties. This amino acid position is conserved. In addition, this alteration is predicted to be tolerated by in silico analysis. Based on the available evidence, the clinical significance of this variant remains unclear.